The following is an entry in ClinVar:

ClinVar aggregate classification (germline): Uncertain significance (0 of 4 stars; one submission).

Conditions:
NRP1-related disorder. Also called: NRP1-related condition.

Submission:

PreventionGenetics, part of Exact Sciences
Classification: Uncertain significance for NRP1-related condition. Last evaluated: 2024-04-04. Review status: no assertion criteria provided. Collection method: clinical testing. Allele origin: germline.
Comment: The NRP1 c.1504G>A variant is predicted to result in the amino acid substitution p.Gly502Ser. To our knowledge, this variant has not been reported in the literature or in a large population database, indicating this variant is rare. At this time, the clinical significance of this variant is uncertain due to the absence of conclusive functional and genetic evidence.

NM_003873.7(NRP1):c.1504G>A (p.Gly502Ser)

Gene: NRP1 (neuropilin 1; minus strand). Cytogenetic location: 10p11.22.
Variant type: single nucleotide variant.
Coding change: c.1504G>A on transcript NM_003873.7 (MANE Select); coding-DNA position 1504, G replaced by A.
Protein change: p.Gly502Ser; replaces glycine 502 with serine.
Molecular consequence: missense variant. On other transcripts: non-coding transcript variant (1).
Genome position (GRCh38, 1-based): chr10:33,213,496, C>T on the plus strand (G>A on the coding strand, the complement: NRP1 is on the minus strand). VCF-style: chr10-33213496-C-T. GRCh37 (hg19) VCF-style: chr10-33502424-C-T.
Other names: c.1504G>A, p.Gly502Ser (NM_001024628.3, NM_001024629.3, NM_001244972.2 and 2 more transcripts); short protein forms G502S.
Identifiers: ClinVar variation 3349890 (VCV003349890.1).